The following is an entry in ClinVar:

NM_001754.5(RUNX1):c.211C>A (p.Leu71Met)

Gene: RUNX1 (RUNX family transcription factor 1; minus strand). Cytogenetic location: 21q22.12.
Variant type: single nucleotide variant.
Coding change: c.211C>A on transcript NM_001754.5 (MANE Select); coding-DNA position 211, C replaced by A.
Protein change: p.Leu71Met; replaces leucine 71 with methionine.
Molecular consequence: missense variant.
Genome position (GRCh38, 1-based): chr21:34,886,983, G>T on the plus strand (C>A on the coding strand, the complement: RUNX1 is on the minus strand). VCF-style: chr21-34886983-G-T. GRCh37 (hg19) VCF-style: chr21-36259280-G-T.
Other names: NM_001754.5(RUNX1):c.211C>A; p.Leu71Met; c.130C>A, p.Leu44Met (NM_001001890.3, NM_001122607.2); short protein forms L44M, L71M.
Identifiers: ClinVar variation 3791465 (VCV003791465.1).

ClinVar aggregate classification (germline): Uncertain significance. Review status: reviewed by expert panel (3 of 4 stars). 2 submissions from 2 submitters: Uncertain significance (1). 1 of the submissions does not count toward it. Last evaluated 2025-07-11.

Conditions:
Hereditary thrombocytopenia and hematologic cancer predisposition syndrome. Identifiers: Orphanet 71290, MedGen CN281654, MONDO:0011071.
Inborn genetic diseases. Identifiers: MedGen C0950123, MeSH D030342.

Submissions (2):

ClinGen Myeloid Malignancy Variant Curation Expert Panel
Classification: Uncertain significance for Hereditary thrombocytopenia and hematologic cancer predisposition syndrome. Last evaluated: 2025-07-11. Review status: reviewed by expert panel. Criteria: ClinGen MyeloMalig ACMG Specifications v2. Collection method: curation. Allele origin: germline. Inheritance: Autosomal dominant inheritance.
Comment: NM_001754.5(RUNX1):c.211C>A (p.Leu71Met) is a missense variant which has a REVEL score < 0.50 (0.467), and a SpliceAI score ≤ 0.20 (0.0) (BP4). This variant is completely absent from all population databases with at least 20x coverage for RUNX1 (PM2_Supporting). In summary, the clinical significance of this variant is uncertain. ACMG/AMP criteria applied, as specified by the Myeloid Malignancy Variant Curation Expert Panel for RUNX1: BP4, PM2_supporting.

Ambry Genetics
Classification: Uncertain significance for Inborn genetic diseases. Last evaluated: 2024-12-17. Review status: criteria provided, single submitter. Criteria: Ambry Variant Classification Scheme 2023. Collection method: clinical testing. Allele origin: germline. Not counted in ClinVar's aggregate classification.
Comment: The p.L71M variant (also known as c.211C>A), located in coding exon 3 of the RUNX1 gene, results from a C to A substitution at nucleotide position 211. The leucine at codon 71 is replaced by methionine, an amino acid with highly similar properties. This amino acid position is conserved. In addition, the in silico prediction for this alteration is inconclusive. Based on the available evidence, the clinical significance of this variant remains unclear.